The following is an entry in ClinVar:

NM_001942.4(DSG1):c.1467C>T (p.Asp489=)

Gene: DSG1 (desmoglein 1; plus strand). Cytogenetic location: 18q12.1.
Variant type: single nucleotide variant.
Coding change: c.1467C>T on transcript NM_001942.4 (MANE Select); coding-DNA position 1467, C replaced by T.
Protein change: p.Asp489=; no amino-acid change (aspartic acid 489 retained).
Molecular consequence: synonymous variant.
Genome position (GRCh38, 1-based): chr18:31,339,805, C>T. VCF-style: chr18-31339805-C-T. GRCh37 (hg19) VCF-style: chr18-28919768-C-T.
Other names: c.1467C>T (NM_001942.3).
Identifiers: ClinVar variation 1592420 (VCV001592420.10), dbSNP rs200542064, ClinGen allele CA8926094.

ClinVar aggregate classification (germline): Likely benign. Review status: criteria provided, single submitter (1 of 4 stars). 2 submissions from 2 submitters: Likely benign (1). 1 of the submissions does not count toward it. Last evaluated 2024-10-21.

Conditions:
DSG1-related disorder. Also called: DSG1-related condition.

Allele frequency attached by ClinVar (database versions not stated): gnomAD exomes 0.00002 and 0.00004; ExAC 0.00003; TOPMed 0.00003; gnomAD 0.00006; ESP Exome Variant Server 0.00008; 1000 Genomes Project 30x 0.00016; 1000 Genomes Project 0.00020.
gnomAD v4.1: 41 of 1,613,110 alleles (0.0025%); highest among the groups gnomAD compares: East Asian, 0.0089%; no homozygotes.

Submissions (2):

Labcorp Genetics (formerly Invitae), Labcorp
Classification: Likely benign. Last evaluated: 2024-10-21. Review status: criteria provided, single submitter. Criteria: Invitae Variant Classification Sherloc (09022015). Collection method: clinical testing. Allele origin: germline.

PreventionGenetics, part of Exact Sciences
Classification: Likely benign for DSG1-related condition. Last evaluated: 2024-02-07. Review status: no assertion criteria provided. Collection method: clinical testing. Allele origin: germline. Not counted in ClinVar's aggregate classification.
Comment: This variant is classified as likely benign based on ACMG/AMP sequence variant interpretation guidelines (Richards et al. 2015 PMID: 25741868, with internal and published modifications).